The following is an entry in ClinVar:

ClinVar aggregate classification (germline): Uncertain significance. Review status: criteria provided, multiple submitters, no conflicts (2 of 4 stars). 5 submissions from 5 submitters: Uncertain significance (5). Last evaluated 2024-07-31.

Conditions:
Fanconi anemia complementation group J. Also called: BRIP1-Related Fanconi Anemia. Identifiers: Orphanet 84, MedGen C1836860, MONDO:0012187, OMIM 609054.
Familial cancer of breast. Also called: hereditary breast carcinoma; BREAST CANCER, FAMILIAL; Hereditary breast cancer. Identifiers: Orphanet 227535, MedGen C0346153, MONDO:0016419, OMIM 114480. Disease mechanism: loss of function.
Hereditary cancer-predisposing syndrome. Also called: Tumor predisposition; Hereditary Cancer Syndrome; Hereditary neoplastic syndrome; Neoplastic Syndromes, Hereditary. Identifiers: Orphanet 140162, MedGen C0027672, MeSH D009386, MONDO:0015356.

Allele frequency attached by ClinVar (database versions not stated): gnomAD exomes below 0.00001; TOPMed below 0.00001.

Submissions (5):

Quest Diagnostics Nichols Institute San Juan Capistrano
Classification: Uncertain significance. Last evaluated: 2024-07-31. Review status: criteria provided, single submitter. Criteria: Quest Diagnostics criteria. Collection method: clinical testing. Allele origin: unknown.
Comment: The BRIP1 c.995G>A (p.Cys332Tyr) variant has not been reported in individuals with BRIP1-related conditions in the published literature. The frequency of this variant in the general population, 0.000004 (1/251268 chromosomes (Genome Aggregation Database)), is uninformative in the assessment of its pathogenicity. Analysis of this variant using bioinformatics tools for the prediction of the effect of amino acid changes on protein structure and function yielded predictions that this variant is benign. Based on the available information, we are unable to determine the clinical significance of this variant.

Labcorp Genetics (formerly Invitae), Labcorp
Classification: Uncertain significance for Familial cancer of breast; Fanconi anemia complementation group J. Last evaluated: 2024-03-06. Review status: criteria provided, single submitter. Criteria: Invitae Variant Classification Sherloc (09022015). Collection method: clinical testing. Allele origin: germline.
Comment: This sequence change replaces cysteine, which is neutral and slightly polar, with tyrosine, which is neutral and polar, at codon 332 of the BRIP1 protein (p.Cys332Tyr). This variant is present in population databases (no rsID available, gnomAD 0.0009%). This variant has not been reported in the literature in individuals affected with BRIP1-related conditions. ClinVar contains an entry for this variant (Variation ID: 233613). Advanced modeling of protein sequence and biophysical properties (such as structural, functional, and spatial information, amino acid conservation, physicochemical variation, residue mobility, and thermodynamic stability) performed at Invitae indicates that this missense variant is not expected to disrupt BRIP1 protein function with a negative predictive value of 80%. In summary, the available evidence is currently insufficient to determine the role of this variant in disease. Therefore, it has been classified as a Variant of Uncertain Significance.

Color Diagnostics, LLC DBA Color Health
Classification: Uncertain significance for Hereditary cancer-predisposing syndrome. Last evaluated: 2022-09-12. Review status: criteria provided, single submitter. Criteria: ACMG Guidelines, 2015. Collection method: clinical testing. Allele origin: germline.
Comment: This missense variant replaces cysteine with tyrosine at codon 332 of the BRIP1 protein. Computational prediction suggests that this variant may not impact protein structure and function (internally defined REVEL score threshold <= 0.5, PMID: 27666373). To our knowledge, functional studies have not been reported for this variant. This variant has not been reported in individuals affected with hereditary cancer in the literature. This variant has been identified in 1/251268 chromosomes in the general population by the Genome Aggregation Database (gnomAD). The available evidence is insufficient to determine the role of this variant in disease conclusively. Therefore, this variant is classified as a Variant of Uncertain Significance.

Ambry Genetics
Classification: Uncertain significance for Hereditary cancer-predisposing syndrome. Last evaluated: 2022-02-07. Review status: criteria provided, single submitter. Criteria: Ambry Variant Classification Scheme 2023. Collection method: clinical testing. Allele origin: germline.
Comment: The p.C332Y variant (also known as c.995G>A), located in coding exon 7 of the BRIP1 gene, results from a G to A substitution at nucleotide position 995. The cysteine at codon 332 is replaced by tyrosine, an amino acid with highly dissimilar properties. This amino acid position is poorly conserved in available vertebrate species. In addition, this alteration is predicted to be tolerated by in silico analysis. Since supporting evidence is limited at this time, the clinical significance of this alteration remains unclear.

GeneDx
Classification: Uncertain significance. Last evaluated: 2015-10-09. Review status: criteria provided, single submitter. Criteria: GeneDx Variant Classification (06012015). Collection method: clinical testing. Allele origin: germline. Affected: yes.
Comment: This variant is denoted BRIP1 c.995G>A at the cDNA level, p.Cys332Tyr (C332Y) at the protein level, and results in the change of a Cysteine to a Tyrosine (TGC>TAC). This variant has not, to our knowledge, been published in the literature as being pathogenic or benign. BRIP1 Cys332Tyr was not observed in approximately 6,500 individuals of European and African American ancestry in the NHLBI Exome Sequencing Project, indicating it is not a common benign variant in these populations. Since Cysteine and Tyrosine differ in polarity, charge, size or other properties, this is considered a non-conservative amino acid substitution. BRIP1 Cys332Tyr occurs at a position that is not conserved and is located in the Fe-S and helicase ATP-binding domains (Cantor 2011, UniProt). In silico analyses predict that this variant is unlikely to alter protein structure or function. Based on currently available evidence, it is unclear whether BRIP1 Cys332Tyr is pathogenic or benign. We consider it to be a variant of uncertain significance.

NM_032043.3(BRIP1):c.995G>A (p.Cys332Tyr)

Gene: BRIP1 (BRCA1 interacting DNA helicase 1; minus strand). Cytogenetic location: 17q23.2.
Variant type: single nucleotide variant.
Coding change: c.995G>A on transcript NM_032043.3 (MANE Select); coding-DNA position 995, G replaced by A.
Protein change: p.Cys332Tyr; replaces cysteine 332 with tyrosine.
Molecular consequence: missense variant.
Genome position (GRCh38, 1-based): chr17:61,801,398, C>T on the plus strand (G>A on the coding strand, the complement: BRIP1 is on the minus strand). VCF-style: chr17-61801398-C-T. GRCh37 (hg19) VCF-style: chr17-59878759-C-T.
Other names: short protein forms C332Y.
Identifiers: ClinVar variation 233613 (VCV000233613.20), dbSNP rs876660521, ClinGen allele CA10577564.